The following is an entry in ClinVar:

NM_014252.4(SLC25A15):c.530T>A (p.Leu177Ter)

Gene: SLC25A15 (solute carrier family 25 member 15; plus strand). Cytogenetic location: 13q14.11.
Variant type: single nucleotide variant.
Coding change: c.530T>A on transcript NM_014252.4 (MANE Select); coding-DNA position 530, T replaced by A.
Protein change: p.Leu177Ter; replaces leucine 177 with a stop codon.
Molecular consequence: nonsense.
Genome position (GRCh38, 1-based): chr13:40,807,371, T>A. VCF-style: chr13-40807371-T-A. GRCh37 (hg19) VCF-style: chr13-41381507-T-A.
Other names: short protein forms L177*.
Identifiers: ClinVar variation 2678858 (VCV002678858.2), dbSNP rs2138056755, ClinGen allele CA387918290.

ClinVar aggregate classification (germline): Likely pathogenic. Review status: criteria provided, multiple submitters, no conflicts (2 of 4 stars). 2 submissions from 2 submitters: Likely pathogenic (2). Last evaluated 2025-01-10.

Conditions:
Hyperornithinemia-hyperammonemia-homocitrullinuria syndrome (HHHS). Also called: HHH SYNDROME; Ornithine translocase deficiency. Identifiers: Orphanet 415, MedGen C0268540, MONDO:0009393, OMIM 238970.

Submissions (2):

First Genomix Gene Laboratory, Genetic Diagnostics Department
Classification: Likely pathogenic for Hyperornithinemia-hyperammonemia-homocitrullinuria syndrome. Last evaluated: 2025-01-10. Review status: criteria provided, single submitter. Criteria: ACMG Guidelines, 2015. Collection method: clinical testing. Allele origin: germline. Inheritance: Autosomal recessive inheritance. Affected: no. Observed: 1 variant allele.

Baylor Genetics
Classification: Likely pathogenic for Hyperornithinemia-hyperammonemia-homocitrullinuria syndrome. Last evaluated: 2022-03-20. Review status: criteria provided, single submitter. Criteria: ACMG Guidelines, 2015. Collection method: clinical testing. Allele origin: unknown.